The following is an entry in ClinVar:

NM_000138.5(FBN1):c.6230A>G (p.Asn2077Ser)

Gene: FBN1 (fibrillin 1; minus strand). Cytogenetic location: 15q21.1.
Variant type: single nucleotide variant.
Coding change: c.6230A>G on transcript NM_000138.5 (MANE Select); coding-DNA position 6230, A replaced by G.
Protein change: p.Asn2077Ser; replaces asparagine 2077 with serine.
Molecular consequence: missense variant.
Genome position (GRCh38, 1-based): chr15:48,437,851, T>C on the plus strand (A>G on the coding strand, the complement: FBN1 is on the minus strand). VCF-style: chr15-48437851-T-C. GRCh37 (hg19) VCF-style: chr15-48730048-T-C.
Other names: c.6230A>G, p.Asn2077Ser (NM_001406716.1); short protein forms N2077S.
Identifiers: ClinVar variation 4794471 (VCV004794471.1).

ClinVar aggregate classification (germline): Uncertain significance (1 of 4 stars; one submission).

Conditions:
Marfan syndrome (MFS). Also called: FBN1-Related Marfan Syndrome; MARFAN SYNDROME, TYPE I; Marfan syndrome type 1; Marfan's syndrome; Marfan syndrome, classic. Identifiers: Orphanet 284963, Orphanet 558, MedGen C0024796, MONDO:0007947, OMIM 154700.
Familial thoracic aortic aneurysm and aortic dissection (TAAD). Also called: Thoracic aortic aneurysms and dissections. Identifiers: Orphanet 91387, MedGen C4707243, MONDO:0019625.

Submission:

Labcorp Genetics (formerly Invitae), Labcorp
Classification: Uncertain significance for Marfan syndrome; Familial thoracic aortic aneurysm and aortic dissection. Last evaluated: 2025-08-28. Review status: criteria provided, single submitter. Criteria: Invitae Variant Classification Sherloc (09022015). Collection method: clinical testing. Allele origin: germline.
Comment: This sequence change replaces asparagine, which is neutral and polar, with serine, which is neutral and polar, at codon 2077 of the FBN1 protein (p.Asn2077Ser). This variant is not present in population databases (gnomAD no frequency). This variant has not been reported in the literature in individuals affected with FBN1-related conditions. Invitae Evidence Modeling of protein sequence and biophysical properties (such as structural, functional, and spatial information, amino acid conservation, physicochemical variation, residue mobility, and thermodynamic stability) has been performed for this missense variant. However, the output from this modeling did not meet the statistical confidence thresholds required to predict the impact of this variant on FBN1 protein function. In summary, the available evidence is currently insufficient to determine the role of this variant in disease. Therefore, it has been classified as a Variant of Uncertain Significance.